The following is an entry in ClinVar:

ClinVar aggregate classification (germline): Likely benign (1 of 4 stars; one submission).

Submission:

CeGaT Center for Human Genetics Tuebingen
Classification: Likely benign. Last evaluated: 2026-01-01. Review status: criteria provided, single submitter. Criteria: CeGaT Center For Human Genetics Tuebingen Variant Classification Criteria Version 2. Collection method: clinical testing. Allele origin: germline. Affected: yes. Observed: 1 variant allele.
Comment: STAT1: PM2:Supporting, BP4, BP7

NM_007315.4(STAT1):c.96G>A (p.Gln32=)

Gene: STAT1 (signal transducer and activator of transcription 1; minus strand). Cytogenetic location: 2q32.2.
Variant type: single nucleotide variant.
Coding change: c.96G>A on transcript NM_007315.4 (MANE Select); coding-DNA position 96, G replaced by A.
Protein change: p.Gln32=; no amino-acid change (glutamine 32 retained).
Molecular consequence: synonymous variant.
Genome position (GRCh38, 1-based): chr2:191,009,908, C>T on the plus strand (G>A on the coding strand, the complement: STAT1 is on the minus strand). VCF-style: chr2-191009908-C-T. GRCh37 (hg19) VCF-style: chr2-191874634-C-T.
Other names: c.96G>A, p.Gln32= (NM_001384880.1, NM_001384882.1, NM_001384883.1 and 9 more transcripts); c.102G>A, p.Gln34= (NM_001384881.1, NM_001384884.1).
Identifiers: ClinVar variation 4823057 (VCV004823057.4).